The following is an entry in ClinVar:

NM_025099.6(CTC1):c.*327C>T

Gene: CTC1 (CST telomere replication complex component 1; minus strand). Cytogenetic location: 17p13.1.
Variant type: single nucleotide variant.
Coding change: c.*327C>T on transcript NM_025099.6 (MANE Select); 327 bases downstream of the stop codon, C replaced by T.
Molecular consequence: 3 prime UTR variant. On other transcripts: non-coding transcript variant (1).
Genome position (GRCh38, 1-based): chr17:8,227,853, G>A on the plus strand (C>T on the coding strand, the complement: CTC1 is on the minus strand). VCF-style: chr17-8227853-G-A. GRCh37 (hg19) VCF-style: chr17-8131171-G-A.
Identifiers: ClinVar variation 326054 (VCV000326054.5), dbSNP rs569217905, ClinGen allele CA10650521.
Genomic context (GRCh38, chr17:8,227,853, plus strand): 5'-GACCCCAGAGATGAGTACCAGTGAGAAATGACACCAGAGGGCTTCATTGCAGGTCAATAG[G>A]CCTGTCACCATCACCCCACAGCGAGCAAGTCTTTTGTTCCCTCAGCTCCTGCGACAAAGT-3'

ClinVar aggregate classification (germline): Likely benign (1 of 4 stars; one submission).

Conditions:
Dyskeratosis congenita. Identifiers: Orphanet 1775, MedGen C0265965, MONDO:0015780.

Allele frequency attached by ClinVar (database versions not stated): gnomAD 0.00004 and 0.00044; TOPMed 0.00009; gnomAD exomes 0.00143; 1000 Genomes Project 0.00240; 1000 Genomes Project 30x 0.00265.

Submission:

Illumina Laboratory Services, Illumina
Classification: Likely benign for Dyskeratosis congenita. Last evaluated: 2018-01-13. Review status: criteria provided, single submitter. Criteria: ICSL Variant Classification Criteria 13 December 2019. Collection method: clinical testing. Allele origin: germline.
Comment: This variant was observed in the ICSL laboratory as part of a predisposition screen in an ostensibly healthy population. It had not been previously curated by ICSL or reported in the Human Gene Mutation Database (HGMD: prior to June 1st, 2018), and was therefore a candidate for classification through an automated scoring system. Utilizing variant allele frequency, disease prevalence and penetrance estimates, and inheritance mode, an automated score was calculated to assess if this variant is too frequent to cause the disease. Based on the score and internal cut-off values, a variant classified as likely benign is not then subjected to further curation. The score for this variant resulted in a classification of likely benign for this disease.